The following is an entry in ClinVar:

NM_025114.4(CEP290):c.698A>G (p.Glu233Gly)

Gene: CEP290 (centrosomal protein 290; minus strand). Cytogenetic location: 12q21.32.
Variant type: single nucleotide variant.
Coding change: c.698A>G on transcript NM_025114.4 (MANE Select); coding-DNA position 698, A replaced by G.
Protein change: p.Glu233Gly; replaces glutamic acid 233 with glycine.
Molecular consequence: missense variant.
Genome position (GRCh38, 1-based): chr12:88,129,848, T>C on the plus strand (A>G on the coding strand, the complement: CEP290 is on the minus strand). VCF-style: chr12-88129848-T-C. GRCh37 (hg19) VCF-style: chr12-88523625-T-C.
Other names: c.698A>G (NM_025114.3); short protein forms E233G.
Identifiers: ClinVar variation 1402566 (VCV001402566.4), dbSNP rs2138087140, ClinGen allele CA385985806.

ClinVar aggregate classification (germline): Uncertain significance. Review status: criteria provided, multiple submitters, no conflicts (2 of 4 stars). 2 submissions from 2 submitters: Uncertain significance (2). Last evaluated 2025-12-09.

Conditions:
Inborn genetic diseases. Identifiers: MedGen C0950123, MeSH D030342.
Joubert syndrome. Also called: CEREBELLOPARENCHYMAL DISORDER IV; JOUBERT-BOLTSHAUSER SYNDROME; Familial aplasia of the vermis. Identifiers: Orphanet 475, MedGen C5979921, MONDO:0018772.
Nephronophthisis. Also called: Juvenile Nephronophthisis. Identifiers: Orphanet 655, MedGen C0687120, MONDO:0019005, HP:0000090.
Meckel-Gruber syndrome. Also called: DYSENCEPHALIA SPLANCHNOCYSTICA; GRUBER SYNDROME; Dysencephalia splachnocystica. Identifiers: Orphanet 564, MedGen C0265215, MONDO:0018921.

Submissions (2):

Ambry Genetics
Classification: Uncertain significance for Inborn genetic diseases. Last evaluated: 2025-12-09. Review status: criteria provided, single submitter. Criteria: Ambry Variant Classification Scheme 2023. Collection method: clinical testing. Allele origin: germline.

Labcorp Genetics (formerly Invitae), Labcorp
Classification: Uncertain significance for Joubert syndrome; Meckel-Gruber syndrome; Nephronophthisis. Last evaluated: 2022-08-23. Review status: criteria provided, single submitter. Criteria: Invitae Variant Classification Sherloc (09022015). Collection method: clinical testing. Allele origin: germline.
Comment: This sequence change replaces glutamic acid, which is acidic and polar, with glycine, which is neutral and non-polar, at codon 233 of the CEP290 protein (p.Glu233Gly). This variant is not present in population databases (gnomAD no frequency). This variant has not been reported in the literature in individuals affected with CEP290-related conditions. ClinVar contains an entry for this variant (Variation ID: 1402566). Algorithms developed to predict the effect of missense changes on protein structure and function are either unavailable or do not agree on the potential impact of this missense change (SIFT: "Deleterious"; PolyPhen-2: "Possibly Damaging"; Align-GVGD: "Class C0"). In summary, the available evidence is currently insufficient to determine the role of this variant in disease. Therefore, it has been classified as a Variant of Uncertain Significance.